The following is an entry in ClinVar:

ClinVar aggregate classification (germline): Likely benign (1 of 4 stars; one submission).

Submission:

GeneDx
Classification: Likely benign. Last evaluated: 2016-05-02. Review status: criteria provided, single submitter. Criteria: GeneDx Variant Classification (06012015). Collection method: clinical testing. Allele origin: germline. Affected: yes.
Comment: This variant is considered likely benign or benign based on one or more of the following criteria: it is a conservative change, it occurs at a poorly conserved position in the protein, it is predicted to be benign by multiple in silico algorithms, and/or has population frequency not consistent with disease.

NM_007194.4(CHEK2):c.444+16C>T

Gene: CHEK2 (checkpoint kinase 2; minus strand). Cytogenetic location: 22q12.1.
Variant type: single nucleotide variant.
Coding change: c.444+16C>T on transcript NM_007194.4 (MANE Select); 16 bases into the intron after coding-DNA position 444, C replaced by T.
Molecular consequence: intron variant.
Genome position (GRCh38, 1-based): chr22:28,725,227, G>A on the plus strand (C>T on the coding strand, the complement: CHEK2 is on the minus strand). VCF-style: chr22-28725227-G-A. GRCh37 (hg19) VCF-style: chr22-29121215-G-A.
Other names: c.-220+16C>T (NM_001437942.1); c.444+16C>T (NM_001349956.3, NM_145862.3); c.-334+16C>T (NM_001257387.3); c.537+16C>T (NM_001438295.1, NM_001438293.1); c.573+16C>T (NM_001438294.1, NM_001005735.3).
Identifiers: ClinVar variation 385844 (VCV000385844.1), dbSNP rs1057522343, ClinGen allele CA16609088.